The following is an entry in ClinVar:

ClinVar aggregate classification (germline): Pathogenic (3 of 4 stars; one submission).

Conditions:
Breast-ovarian cancer, familial, susceptibility to, 2 (BROVCA2). Also called: BRCA2 Hereditary Breast and Ovarian Cancer. Identifiers: Orphanet 145, MedGen C2675520, MONDO:0012933, OMIM 612555. Disease mechanism: loss of function.

Submission:

Evidence-based Network for the Interpretation of Germline Mutant Alleles (ENIGMA)
Classification: Pathogenic for Breast-ovarian cancer, familial, susceptibility to, 2. Last evaluated: 2016-10-18. Review status: reviewed by expert panel. Criteria: ENIGMA BRCA1/2 Classification Criteria (2015). Collection method: curation. Allele origin: germline.
Comment: Variant allele predicted to encode a truncated non-functional protein.

NM_000059.4(BRCA2):c.1504_1511del (p.Lys502fs)

Gene: BRCA2 (BRCA2 DNA repair associated; plus strand). Cytogenetic location: 13q13.1.
Variant type: Deletion.
Coding change: c.1504_1511del on transcript NM_000059.4 (MANE Select); coding-DNA positions 1504 to 1511, 8 bases deleted (AAAAAGTC; older notation c.1504_1511delAAAAAGTC).
Protein change: p.Lys502fs; shifts the reading frame from lysine 502.
Molecular consequence: frameshift variant.
Genome position (GRCh38, 1-based): chr13:32,332,982-32,332,989, AAAAAGTC deleted; deleting any 8 consecutive bases within chr13:32,332,980-32,332,989 gives the same sequence; the c. name uses the placement nearest the transcript's 3' end. VCF-style (leftmost placement, unchanged base first): chr13-32332979-ATCAAAAAG-A. GRCh37 (hg19) VCF-style: chr13-32907116-ATCAAAAAG-A.
Other names: 1732del8; short protein forms K502fs.
Identifiers: ClinVar variation 266640 (VCV000266640.3), dbSNP rs886040370, ClinGen allele CA10589099.